The following is an entry in ClinVar:

NM_000368.5(TSC1):c.220G>A (p.Asp74Asn)

Gene: TSC1 (TSC complex subunit 1; minus strand). Cytogenetic location: 9q34.13.
Variant type: single nucleotide variant.
Coding change: c.220G>A on transcript NM_000368.5 (MANE Select); coding-DNA position 220, G replaced by A.
Protein change: p.Asp74Asn; replaces aspartic acid 74 with asparagine.
Molecular consequence: missense variant. On other transcripts: 5 prime UTR variant (1), intron variant (1).
Genome position (GRCh38, 1-based): chr9:132,925,730, C>T on the plus strand (G>A on the coding strand, the complement: TSC1 is on the minus strand). VCF-style: chr9-132925730-C-T. GRCh37 (hg19) VCF-style: chr9-135801117-C-T.
Other names: c.220G>A, p.Asp74Asn (NM_001162426.2); c.-144G>A (NM_001362177.2); c.210+1471G>A (NM_001162427.2); c.220G>A (NM_000368.4); short protein forms D74N.
Identifiers: ClinVar variation 1438745 (VCV001438745.9), dbSNP rs2132238980, ClinGen allele CA375374855.

ClinVar aggregate classification (germline): Uncertain significance. Review status: criteria provided, multiple submitters, no conflicts (2 of 4 stars). 2 submissions from 2 submitters: Uncertain significance (2). Last evaluated 2024-04-04.

Conditions:
Hereditary cancer-predisposing syndrome. Also called: Neoplastic Syndromes, Hereditary; Hereditary Cancer Syndrome; Tumor predisposition; Hereditary neoplastic syndrome. Identifiers: Orphanet 140162, MedGen C0027672, MeSH D009386, MONDO:0015356.
Tuberous sclerosis 1 (TSC1). Identifiers: Orphanet 805, MedGen C1854465, MONDO:0008612, OMIM 191100.

Submissions (2):

Ambry Genetics
Classification: Uncertain significance for Hereditary cancer-predisposing syndrome. Last evaluated: 2024-04-04. Review status: criteria provided, single submitter. Criteria: Ambry Variant Classification Scheme 2023. Collection method: clinical testing. Allele origin: germline.
Comment: The p.D74N variant (also known as c.220G>A), located in coding exon 3 of the TSC1 gene, results from a G to A substitution at nucleotide position 220. The aspartic acid at codon 74 is replaced by asparagine, an amino acid with highly similar properties. This amino acid position is conserved. In addition, the in silico prediction for this alteration is inconclusive. Based on the available evidence, the clinical significance of this variant remains unclear.

Labcorp Genetics (formerly Invitae), Labcorp
Classification: Uncertain significance for Tuberous sclerosis 1. Last evaluated: 2020-11-17. Review status: criteria provided, single submitter. Criteria: Invitae Variant Classification Sherloc (09022015). Collection method: clinical testing. Allele origin: germline.
Comment: This sequence change replaces aspartic acid with asparagine at codon 74 of the TSC1 protein (p.Asp74Asn). The aspartic acid residue is highly conserved and there is a small physicochemical difference between aspartic acid and asparagine. This variant is not present in population databases (ExAC no frequency). This variant has not been reported in the literature in individuals with TSC1-related conditions. Algorithms developed to predict the effect of missense changes on protein structure and function are either unavailable or do not agree on the potential impact of this missense change (SIFT: "Deleterious"; PolyPhen-2: "Probably Damaging"; Align-GVGD: "Class C0"). In summary, the available evidence is currently insufficient to determine the role of this variant in disease. Therefore, it has been classified as a Variant of Uncertain Significance.